The following is an entry in ClinVar:

ClinVar aggregate classification (germline): Benign/Likely benign. Review status: criteria provided, multiple submitters, no conflicts (2 of 4 stars). 5 submissions from 5 submitters: Benign (2); Likely benign (2). 1 of the submissions does not count toward it. Last evaluated 2025-11-01.

Conditions:
Rubinstein-Taybi syndrome (RSTS). Identifiers: Orphanet 783, MedGen C0035934, MONDO:0019188.
CREBBP-related disorder. Also called: CREBBP-related disorders; CREBBP-related condition.

Allele frequency attached by ClinVar (database versions not stated): gnomAD 0.00004 and 0.00010; TOPMed 0.00005; gnomAD exomes 0.00016 and 0.00029; ExAC 0.00028; 1000 Genomes Project 30x 0.00031; 1000 Genomes Project 0.00040.
gnomAD v4.1: 241 of 1,606,808 alleles (0.015%); highest among the groups gnomAD compares: South Asian, 0.18%; 2 homozygotes.

Submissions (5):

CeGaT Center for Human Genetics Tuebingen
Classification: Likely benign. Last evaluated: 2025-11-01. Review status: criteria provided, single submitter. Criteria: CeGaT Center For Human Genetics Tuebingen Variant Classification Criteria Version 2. Collection method: clinical testing. Allele origin: germline. Affected: yes. Observed: 1 variant allele.
Comment: CREBBP: BP4, BP7

Labcorp Genetics (formerly Invitae), Labcorp
Classification: Benign for Rubinstein-Taybi syndrome. Last evaluated: 2025-10-26. Review status: criteria provided, single submitter. Criteria: Invitae Variant Classification Sherloc (09022015). Collection method: clinical testing. Allele origin: germline.

Blueprint Genetics
Classification: Likely benign. Last evaluated: 2024-09-23. Review status: criteria provided, single submitter. Criteria: ACMG Guidelines, 2015. Collection method: clinical testing. Allele origin: germline.

GeneDx
Classification: Benign. Last evaluated: 2020-12-17. Review status: criteria provided, single submitter. Criteria: GeneDx Variant Classification Process June 2021. Collection method: clinical testing. Allele origin: germline. Affected: yes.

PreventionGenetics, part of Exact Sciences
Classification: Likely benign for CREBBP-related condition. Last evaluated: 2021-11-04. Review status: no assertion criteria provided. Collection method: clinical testing. Allele origin: germline. Not counted in ClinVar's aggregate classification.
Comment: This variant is classified as likely benign based on ACMG/AMP sequence variant interpretation guidelines (Richards et al. 2015 PMID: 25741868, with internal and published modifications).

NM_004380.3(CREBBP):c.7089G>A (p.Pro2363=)

Gene: CREBBP (CREB binding lysine acetyltransferase; minus strand). Cytogenetic location: 16p13.3.
Variant type: single nucleotide variant.
Coding change: c.7089G>A on transcript NM_004380.3 (MANE Select); coding-DNA position 7089, G replaced by A.
Protein change: p.Pro2363=; no amino-acid change (proline 2363 retained).
Molecular consequence: synonymous variant.
Genome position (GRCh38, 1-based): chr16:3,727,958, C>T on the plus strand (G>A on the coding strand, the complement: CREBBP is on the minus strand). VCF-style: chr16-3727958-C-T. GRCh37 (hg19) VCF-style: chr16-3777959-C-T.
Other names: c.6975G>A, p.Pro2325= (NM_001079846.1).
Identifiers: ClinVar variation 715429 (VCV000715429.17), dbSNP rs199610814, ClinGen allele CA7868953.